The following is an entry in ClinVar:

ClinVar aggregate classification (germline): Likely benign. Review status: criteria provided, multiple submitters, no conflicts (2 of 4 stars). 2 submissions from 2 submitters: Likely benign (2). Last evaluated 2024-11-05.

Conditions:
Polydactyly of a triphalangeal thumb. Also called: POLYDACTYLY OF TRIPHALANGEAL THUMB; TRIPHALANGEAL THUMB-POLYDACTYLY SYNDROME; Polydactyly, preaxial type II. Identifiers: Orphanet 2439, Orphanet 2950, Orphanet 93336, MedGen C1868114, MONDO:0008270, OMIM 174500.

Allele frequency attached by ClinVar (database versions not stated): gnomAD 0.00001; gnomAD exomes 0.00001 and 0.00003; ExAC 0.00003; TOPMed 0.00003.
gnomAD v4.1: 15 of 1,604,258 alleles (0.00094%); highest among the groups gnomAD compares: Admixed American, 0.015%; no homozygotes.

Submissions (2):

Labcorp Genetics (formerly Invitae), Labcorp
Classification: Likely benign. Last evaluated: 2024-11-05. Review status: criteria provided, single submitter. Criteria: Invitae Variant Classification Sherloc (09022015). Collection method: clinical testing. Allele origin: germline.

Illumina Laboratory Services, Illumina
Classification: Likely benign for Polydactyly of a triphalangeal thumb. Last evaluated: 2018-01-12. Review status: criteria provided, single submitter. Criteria: ICSL Variant Classification Criteria 13 December 2019. Collection method: clinical testing. Allele origin: germline.
Comment: This variant was observed in the ICSL laboratory as part of a predisposition screen in an ostensibly healthy population. It had not been previously curated by ICSL or reported in the Human Gene Mutation Database (HGMD: prior to June 1st, 2018), and was therefore a candidate for classification through an automated scoring system. Utilizing variant allele frequency, disease prevalence and penetrance estimates, and inheritance mode, an automated score was calculated to assess if this variant is too frequent to cause the disease. Based on the score and internal cut-off values, a variant classified as likely benign is not then subjected to further curation. The score for this variant resulted in a classification of likely benign for this disease.

NM_022458.4(LMBR1):c.1083C>T (p.Ser361=)

Gene: LMBR1 (limb development membrane protein 1; minus strand). Cytogenetic location: 7q36.3.
Variant type: single nucleotide variant.
Coding change: c.1083C>T on transcript NM_022458.4 (MANE Select); coding-DNA position 1083, C replaced by T.
Protein change: p.Ser361=; no amino-acid change (serine 361 retained).
Molecular consequence: synonymous variant. On other transcripts: non-coding transcript variant (2).
Genome position (GRCh38, 1-based): chr7:156,725,510, G>A on the plus strand (C>T on the coding strand, the complement: LMBR1 is on the minus strand). VCF-style: chr7-156725510-G-A. GRCh37 (hg19) VCF-style: chr7-156518204-G-A.
Other names: c.1206C>T, p.Ser402= (NM_001350953.2, NM_001363409.2); c.804C>T, p.Ser268= (NM_001350954.2); c.627C>T, p.Ser209= (NM_001350955.2, NM_001350956.2, NM_001350958.2 and 1 more transcripts); c.714C>T, p.Ser238= (NM_001350957.2, NM_001363411.2); c.1083C>T, p.Ser361= (NM_001363410.2); c.1020C>T, p.Ser340= (NM_001363412.2).
Identifiers: ClinVar variation 359425 (VCV000359425.9), dbSNP rs757854346, ClinGen allele CA4587843.